The following is an entry in ClinVar:

ClinVar aggregate classification (germline): Pathogenic (1 of 4 stars; one submission).

Conditions:
Cohen syndrome (COH1). Also called: Cutis verticis gyrata, retinitis pigmentosa, and sensorineural deafness; PEPPER SYNDROME. Identifiers: Orphanet 193, MedGen C0265223, MONDO:0008999, OMIM 216550.

Submission:

Labcorp Genetics (formerly Invitae), Labcorp
Classification: Pathogenic for Cohen syndrome. Last evaluated: 2023-07-27. Review status: criteria provided, single submitter. Criteria: Invitae Variant Classification Sherloc (09022015). Collection method: clinical testing. Allele origin: germline.
Comment: For these reasons, this variant has been classified as Pathogenic. This variant has not been reported in the literature in individuals affected with VPS13B-related conditions. This variant is a gross deletion of the genomic region encompassing exon(s) 20 of the VPS13B gene. This deletion is out-of-frame, and is expected to create a premature termination codon and result in an absent or disrupted protein product. Loss-of-function variants in VPS13B are known to be pathogenic (PMID: 15141358, 16648375, 20461111).

Literature cited by the submitters: PubMed 15141358; PubMed 16648375; PubMed 20461111.

NC_000008.10:g.(?_100396416)_(100396565_?)del

Gene: VPS13B (vacuolar protein sorting 13 homolog B; plus strand). Cytogenetic location: 8q22.2.
Variant type: Deletion.
Identifiers: ClinVar variation 2426370 (VCV002426370.4).